The following is an entry in ClinVar:

ClinVar aggregate classification (germline): Likely benign (1 of 4 stars; one submission).

Allele frequency attached by ClinVar (database versions not stated): 1000 Genomes Project 0.00160; 1000 Genomes Project 30x 0.00219; TOPMed 0.00454; gnomAD 0.00567 and 0.00579.
gnomAD v4.1: 834 of 148,556 alleles (0.56%); highest among the groups gnomAD compares: Non-Finnish European, 0.86%; 1 homozygote.

Submission:

GeneDx
Classification: Likely benign. Last evaluated: 2018-06-15. Review status: criteria provided, single submitter. Criteria: GeneDx Variant Classification (06012015). Collection method: clinical testing. Allele origin: germline. Affected: yes.
Comment: This variant is considered likely benign or benign based on one or more of the following criteria: it is a conservative change, it occurs at a poorly conserved position in the protein, it is predicted to be benign by multiple in silico algorithms, and/or has population frequency not consistent with disease.

NM_018972.4(GDAP1):c.310+229G>A

Gene: GDAP1 (ganglioside induced differentiation associated protein 1; plus strand). Cytogenetic location: 8q21.11.
Variant type: single nucleotide variant.
Coding change: c.310+229G>A on transcript NM_018972.4 (MANE Select); 229 bases into the intron after coding-DNA position 310, G replaced by A.
Molecular consequence: intron variant.
Genome position (GRCh38, 1-based): chr8:74,351,695, G>A. VCF-style: chr8-74351695-G-A. GRCh37 (hg19) VCF-style: chr8-75263930-G-A.
Other names: c.310+229G>A (NM_001362931.2, NM_001362930.2); c.-18+374G>A (NM_001362929.2); c.-18+1117G>A (NM_001362932.2); c.106+229G>A (NM_001040875.4).
Identifiers: ClinVar variation 677036 (VCV000677036.1), dbSNP rs138722835, ClinGen allele CA179355718.